The following is an entry in ClinVar:

NM_005732.4(RAD50):c.3791T>C (p.Leu1264Pro)

Genes: TH2LCRR (T helper type 2 locus control region associated RNA; minus strand), RAD50 (RAD50 double strand break repair protein; plus strand). Cytogenetic location: 5q31.1.
Variant type: single nucleotide variant.
Coding change: c.3791T>C on transcript NM_005732.4 (MANE Select); coding-DNA position 3791, T replaced by C.
Protein change: p.Leu1264Pro; replaces leucine 1264 with proline.
Molecular consequence: missense variant. On other transcripts: non-coding transcript variant (1).
Genome position (GRCh38, 1-based): chr5:132,642,216, T>C. VCF-style: chr5-132642216-T-C. GRCh37 (hg19) VCF-style: chr5-131977908-T-C.
Other names: short protein forms L1264P.
Identifiers: ClinVar variation 578941 (VCV000578941.11), dbSNP rs1561661794, ClinGen allele CA360935830.

ClinVar aggregate classification (germline): Uncertain significance. Review status: criteria provided, multiple submitters, no conflicts (2 of 4 stars). 2 submissions from 2 submitters: Uncertain significance (2). Last evaluated 2024-03-08.

Conditions:
Hereditary cancer-predisposing syndrome. Also called: Neoplastic Syndromes, Hereditary; Tumor predisposition; Hereditary neoplastic syndrome; Hereditary Cancer Syndrome. Identifiers: Orphanet 140162, MedGen C0027672, MeSH D009386, MONDO:0015356.

Submissions (2):

Ambry Genetics
Classification: Uncertain significance for Hereditary cancer-predisposing syndrome. Last evaluated: 2024-03-08. Review status: criteria provided, single submitter. Criteria: Ambry Variant Classification Scheme 2023. Collection method: clinical testing. Allele origin: germline.
Comment: The p.L1264P variant (also known as c.3791T>C), located in coding exon 25 of the RAD50 gene, results from a T to C substitution at nucleotide position 3791. The leucine at codon 1264 is replaced by proline, an amino acid with similar properties. This amino acid position is conserved. In addition, this alteration is predicted to be deleterious by in silico analysis. Since supporting evidence is limited at this time, the clinical significance of this alteration remains unclear.

Labcorp Genetics (formerly Invitae), Labcorp
Classification: Uncertain significance for Hereditary cancer-predisposing syndrome. Last evaluated: 2020-12-10. Review status: criteria provided, single submitter. Criteria: Invitae Variant Classification Sherloc (09022015). Collection method: clinical testing. Allele origin: germline.
Comment: In summary, the available evidence is currently insufficient to determine the role of this variant in disease. Therefore, it has been classified as a Variant of Uncertain Significance. Algorithms developed to predict the effect of missense changes on protein structure and function are either unavailable or do not agree on the potential impact of this missense change (SIFT: "Deleterious"; PolyPhen-2: "Probably Damaging"; Align-GVGD: "Class C0"). This variant has not been reported in the literature in individuals with RAD50-related conditions. ClinVar contains an entry for this variant (Variation ID: 578941). This variant is not present in population databases (ExAC no frequency). This sequence change replaces leucine with proline at codon 1264 of the RAD50 protein (p.Leu1264Pro). The leucine residue is moderately conserved and there is a moderate physicochemical difference between leucine and proline.